The following is an entry in ClinVar:

NM_004369.4(COL6A3):c.7101G>C (p.Lys2367Asn)

Gene: COL6A3 (collagen type VI alpha 3 chain; minus strand). Cytogenetic location: 2q37.3.
Variant type: single nucleotide variant.
Coding change: c.7101G>C on transcript NM_004369.4 (MANE Select); coding-DNA position 7101, G replaced by C.
Protein change: p.Lys2367Asn; replaces lysine 2367 with asparagine.
Molecular consequence: missense variant.
Genome position (GRCh38, 1-based): chr2:237,345,205, C>G on the plus strand (G>C on the coding strand, the complement: COL6A3 is on the minus strand). VCF-style: chr2-237345205-C-G. GRCh37 (hg19) VCF-style: chr2-238253848-C-G.
Other names: c.5280G>C, p.Lys1760Asn (NM_057166.5); c.6483G>C, p.Lys2161Asn (NM_057167.4); short protein forms K2367N, K1760N, K2161N.
Identifiers: ClinVar variation 3705435 (VCV003705435.3).

ClinVar aggregate classification (germline): Uncertain significance. Review status: criteria provided, multiple submitters, no conflicts (2 of 4 stars). 2 submissions from 2 submitters: Uncertain significance (2). Last evaluated 2025-01-26.

Conditions:
Inborn genetic diseases. Identifiers: MedGen C0950123, MeSH D030342.
Bethlem myopathy 1A. Also called: MYOPATHY, BENIGN CONGENITAL, WITH CONTRACTURES; Bethlem myopathy 1; Bethlem Muscular Dystrophy. Identifiers: Orphanet 610, MedGen CN029274, MONDO:0024530, OMIM 158810.

Submissions (2):

Labcorp Genetics (formerly Invitae), Labcorp
Classification: Uncertain significance for Bethlem myopathy 1A. Last evaluated: 2025-01-26. Review status: criteria provided, single submitter. Criteria: Invitae Variant Classification Sherloc (09022015). Collection method: clinical testing. Allele origin: germline.
Comment: This sequence change replaces lysine, which is basic and polar, with asparagine, which is neutral and polar, at codon 2367 of the COL6A3 protein (p.Lys2367Asn). This variant is not present in population databases (gnomAD no frequency). This variant has not been reported in the literature in individuals affected with COL6A3-related conditions. Invitae Evidence Modeling of protein sequence and biophysical properties (such as structural, functional, and spatial information, amino acid conservation, physicochemical variation, residue mobility, and thermodynamic stability) indicates that this missense variant is expected to disrupt COL6A3 protein function with a positive predictive value of 80%. In summary, the available evidence is currently insufficient to determine the role of this variant in disease. Therefore, it has been classified as a Variant of Uncertain Significance.

Ambry Genetics
Classification: Uncertain significance for Inborn genetic diseases. Last evaluated: 2025-01-22. Review status: criteria provided, single submitter. Criteria: Ambry Variant Classification Scheme 2023. Collection method: clinical testing. Allele origin: germline.